The following is an entry in ClinVar:

NM_017934.7(PHIP):c.544C>T (p.His182Tyr)

Gene: PHIP (PHIP subunit of CUL4-Ring ligase complex; minus strand). Cytogenetic location: 6q14.1.
Variant type: single nucleotide variant.
Coding change: c.544C>T on transcript NM_017934.7 (MANE Select); coding-DNA position 544, C replaced by T.
Protein change: p.His182Tyr; replaces histidine 182 with tyrosine.
Molecular consequence: missense variant.
Genome position (GRCh38, 1-based): chr6:79,042,899, G>A on the plus strand (C>T on the coding strand, the complement: PHIP is on the minus strand). VCF-style: chr6-79042899-G-A. GRCh37 (hg19) VCF-style: chr6-79752616-G-A.
Other names: short protein forms H182Y.
Identifiers: ClinVar variation 4996324 (VCV004996324.1).

ClinVar aggregate classification (germline): Uncertain significance (1 of 4 stars; one submission).

Conditions:
PHIP-related disorder. Also called: PHIP-related condition; PHIP-related disorders.

Submission:

PreventionGenetics, part of Exact Sciences
Classification: Uncertain significance for PHIP-related condition. Last evaluated: 2026-06-09. Review status: criteria provided, single submitter. Criteria: ACMG Guidelines, 2015. Collection method: clinical testing. Allele origin: germline.
Comment: The PHIP c.544C>T variant is predicted to result in the amino acid substitution p.His182Tyr. To our knowledge, this variant has not been reported in the literature or in a large population database (gnomAD), indicating this variant is rare. At this time, the clinical significance of this variant is uncertain due to the absence of conclusive functional and genetic evidence.